The following is an entry in ClinVar:

ClinVar aggregate classification (germline): Benign/Likely benign. Review status: criteria provided, multiple submitters, no conflicts (2 of 4 stars). 5 submissions from 5 submitters: Benign (1); Likely benign (4). Last evaluated 2026-01-18.

Conditions:
Familial prostate cancer. Also called: Hereditary Prostate Cancer. Identifiers: MedGen C2931456, MONDO:0700275, OMIM 176807.
CHEK2-related cancer predisposition (TPDS4). Also called: TUMOR PREDISPOSITION SYNDROME 4; CANCER PREDISPOSITION SYNDROME, CHEK2-RELATED; CHEK2-related cancer susceptibility. Identifiers: Orphanet 524, MedGen C5882668, MONDO:0700271, OMIM 609265.
Hereditary cancer-predisposing syndrome. Also called: Neoplastic Syndromes, Hereditary; Tumor predisposition; Hereditary neoplastic syndrome; Hereditary Cancer Syndrome. Identifiers: Orphanet 140162, MedGen C0027672, MeSH D009386, MONDO:0015356.
Familial cancer of breast. Also called: hereditary breast carcinoma; BREAST CANCER, FAMILIAL; Hereditary breast cancer. Identifiers: Orphanet 227535, MedGen C0346153, MONDO:0016419, OMIM 114480. Disease mechanism: loss of function.

Submissions (5):

Labcorp Genetics (formerly Invitae), Labcorp
Classification: Likely benign for Familial cancer of breast. Last evaluated: 2026-01-18. Review status: criteria provided, single submitter. Criteria: Invitae Variant Classification Sherloc (09022015). Collection method: clinical testing. Allele origin: germline.

Myriad Genetics, Inc.
Classification: Benign for Familial cancer of breast. Last evaluated: 2024-10-01. Review status: criteria provided, single submitter. Criteria: Myriad Autosomal Dominant, Autosomal Recessive and X-Linked Classification Criteria (2023). Collection method: clinical testing. Allele origin: unknown.
Comment: This variant is considered benign. This variant is a silent/synonymous amino acid change and it is not expected to impact splicing.

Department of Pathology and Laboratory Medicine, Sinai Health System
Classification: Likely benign for Familial prostate cancer; CHEK2-related cancer predisposition. Last evaluated: 2023-05-30. Review status: criteria provided, single submitter. Criteria: ACMG Guidelines, 2015. Collection method: clinical testing. Allele origin: germline. Affected: yes.

GeneDx
Classification: Likely benign. Last evaluated: 2017-05-26. Review status: criteria provided, single submitter. Criteria: GeneDx Variant Classification (06012015). Collection method: clinical testing. Allele origin: germline. Affected: yes.
Comment: This variant is considered likely benign or benign based on one or more of the following criteria: it is a conservative change, it occurs at a poorly conserved position in the protein, it is predicted to be benign by multiple in silico algorithms, and/or has population frequency not consistent with disease.

Ambry Genetics
Classification: Likely benign for Hereditary cancer-predisposing syndrome. Last evaluated: 2015-06-02. Review status: criteria provided, single submitter. Criteria: Ambry Variant Classification Scheme 2023. Collection method: clinical testing. Allele origin: germline.

NM_007194.4(CHEK2):c.222T>C (p.Ile74=)

Gene: CHEK2 (checkpoint kinase 2; minus strand). Cytogenetic location: 22q12.1.
Variant type: single nucleotide variant.
Coding change: c.222T>C on transcript NM_007194.4 (MANE Select); coding-DNA position 222, T replaced by C.
Protein change: p.Ile74=; no amino-acid change (isoleucine 74 retained).
Molecular consequence: synonymous variant.
Genome position (GRCh38, 1-based): chr22:28,734,500, A>G on the plus strand (T>C on the coding strand, the complement: CHEK2 is on the minus strand). VCF-style: chr22-28734500-A-G. GRCh37 (hg19) VCF-style: chr22-29130488-A-G.
Other names: c.222T>C, p.Ile74= (NM_001005735.3, NM_001349956.3, NM_145862.3); c.-556T>C (NM_001257387.3).
Identifiers: ClinVar variation 232222 (VCV000232222.17), dbSNP rs876659629, ClinGen allele CA10581109.